The following is an entry in ClinVar:

ClinVar aggregate classification (germline): Uncertain significance. Review status: criteria provided, single submitter (1 of 4 stars). 2 submissions from 2 submitters: Uncertain significance (1). 1 of the submissions does not count toward it. Last evaluated 2021-11-04.

Conditions:
Cohen syndrome (COH1). Also called: Cutis verticis gyrata, retinitis pigmentosa, and sensorineural deafness; PEPPER SYNDROME. Identifiers: Orphanet 193, MedGen C0265223, MONDO:0008999, OMIM 216550.

Submissions (2):

Labcorp Genetics (formerly Invitae), Labcorp
Classification: Uncertain significance for Cohen syndrome. Last evaluated: 2021-11-04. Review status: criteria provided, single submitter. Criteria: Invitae Variant Classification Sherloc (09022015). Collection method: clinical testing. Allele origin: germline.
Comment: This sequence change falls in intron 31 of the VPS13B gene. It does not directly change the encoded amino acid sequence of the VPS13B protein. It affects a nucleotide within the consensus splice site. This variant is not present in population databases (gnomAD no frequency). This variant has not been reported in the literature in individuals affected with VPS13B-related conditions. ClinVar contains an entry for this variant (Variation ID: 991213). Variants that disrupt the consensus splice site are a relatively common cause of aberrant splicing (PMID: 17576681, 9536098). Algorithms developed to predict the effect of sequence changes on RNA splicing suggest that this variant may disrupt the consensus splice site. In summary, the available evidence is currently insufficient to determine the role of this variant in disease. Therefore, it has been classified as a Variant of Uncertain Significance.

Natera, Inc.
Classification: Uncertain significance for Cohen syndrome. Last evaluated: 2020-08-14. Review status: no assertion criteria provided. Collection method: clinical testing. Allele origin: germline. Not counted in ClinVar's aggregate classification.

Literature cited by the submitters: PubMed 17576681 (cited by Labcorp Genetics (formerly Invitae), Labcorp); PubMed 9536098 (cited by Labcorp Genetics (formerly Invitae), Labcorp).

NM_152564.5(VPS13B):c.4949+3A>T

Gene: VPS13B (vacuolar protein sorting 13 homolog B; plus strand). Cytogenetic location: 8q22.2.
Variant type: single nucleotide variant.
Coding change: c.4949+3A>T on transcript NM_152564.5 (MANE Select); 3 bases into the intron after coding-DNA position 4949, A replaced by T.
Molecular consequence: intron variant.
Genome position (GRCh38, 1-based): chr8:99,556,656, A>T. VCF-style: chr8-99556656-A-T. GRCh37 (hg19) VCF-style: chr8-100568884-A-T.
Other names: c.5024+3A>T (NM_017890.5).
Identifiers: ClinVar variation 991213 (VCV000991213.4), dbSNP rs1824584392, ClinGen allele CA1139660671.